The following is an entry in ClinVar:

NM_014845.6(FIG4):c.2672G>A (p.Gly891Glu)

Gene: FIG4 (FIG4 phosphoinositide 5-phosphatase; plus strand). Cytogenetic location: 6q21.
Variant type: single nucleotide variant.
Coding change: c.2672G>A on transcript NM_014845.6 (MANE Select); coding-DNA position 2672, G replaced by A.
Protein change: p.Gly891Glu; replaces glycine 891 with glutamic acid.
Molecular consequence: missense variant.
Genome position (GRCh38, 1-based): chr6:109,825,213, G>A. VCF-style: chr6-109825213-G-A. GRCh37 (hg19) VCF-style: chr6-110146416-G-A.
Other names: short protein forms G891E.
Identifiers: ClinVar variation 2107631 (VCV002107631.4), dbSNP rs1490366227, ClinGen allele CA365225342.

ClinVar aggregate classification (germline): Uncertain significance (1 of 4 stars; one submission).

Conditions:
Charcot-Marie-Tooth disease type 4. Also called: Charcot-Marie-Tooth disease, type IV; Charcot-Marie-Tooth, Type 4. Identifiers: Orphanet 64749, MedGen C4082197, MONDO:0018995.

Submission:

Labcorp Genetics (formerly Invitae), Labcorp
Classification: Uncertain significance for Charcot-Marie-Tooth disease type 4. Last evaluated: 2023-03-30. Review status: criteria provided, single submitter. Criteria: Invitae Variant Classification Sherloc (09022015). Collection method: clinical testing. Allele origin: germline.
Comment: This variant has not been reported in the literature in individuals affected with FIG4-related conditions. In summary, the available evidence is currently insufficient to determine the role of this variant in disease. Therefore, it has been classified as a Variant of Uncertain Significance. An algorithm developed to predict the effect of missense changes on protein structure and function (PolyPhen-2) suggests that this variant is likely to be tolerated. ClinVar contains an entry for this variant (Variation ID: 2107631). This variant is not present in population databases (gnomAD no frequency). This sequence change replaces glycine, which is neutral and non-polar, with glutamic acid, which is acidic and polar, at codon 891 of the FIG4 protein (p.Gly891Glu).